The following is an entry in ClinVar:

NM_001372.4(DNAH9):c.13271C>G (p.Thr4424Arg)

Gene: DNAH9 (dynein axonemal heavy chain 9; plus strand). Cytogenetic location: 17p12.
Variant type: single nucleotide variant.
Coding change: c.13271C>G on transcript NM_001372.4 (MANE Select); coding-DNA position 13271, C replaced by G.
Protein change: p.Thr4424Arg; replaces threonine 4424 with arginine.
Molecular consequence: missense variant.
Genome position (GRCh38, 1-based): chr17:11,969,337, C>G. VCF-style: chr17-11969337-C-G. GRCh37 (hg19) VCF-style: chr17-11872654-C-G.
Other names: c.2207C>G, p.Thr736Arg (NM_004662.2); short protein forms T4424R, T736R.
Identifiers: ClinVar variation 4799806 (VCV004799806.2).
Genomic context (GRCh38, chr17:11,969,337, plus strand): 5'-CTCTTCTCATGTTTTATCCTCAGGCTGGGATCATTACAGAGGCAAAGCTGAAGGATCTGA[C>G]ACCCCCTATGCCTGTGATGTTCATCAAGGCCATTCCTGCAGATAAGCAGGACTGCCGCAG-3'
Protein context (NP_001363.2, residues 4414-4434): IITEAKLKDL[Thr4424Arg]PPMPVMFIKA

ClinVar aggregate classification (germline): Uncertain significance. Review status: criteria provided, multiple submitters, no conflicts (2 of 4 stars). 2 submissions from 2 submitters: Uncertain significance (2). Last evaluated 2025-09-28.

gnomAD v4.1: 49 of 1,614,078 alleles (0.003%); highest among the groups gnomAD compares: African/African-American, 0.053%; no homozygotes.

Submissions (2):

Labcorp Genetics (formerly Invitae), Labcorp
Classification: Uncertain significance. Last evaluated: 2025-09-28. Review status: criteria provided, single submitter. Criteria: Invitae Variant Classification Sherloc (09022015). Collection method: clinical testing. Allele origin: germline.
Comment: This sequence change replaces threonine, which is neutral and polar, with arginine, which is basic and polar, at codon 4424 of the DNAH9 protein (p.Thr4424Arg). This variant is present in population databases (rs139138621, gnomAD 0.04%). This variant has not been reported in the literature in individuals affected with DNAH9-related conditions. Invitae Evidence Modeling of protein sequence and biophysical properties (such as structural, functional, and spatial information, amino acid conservation, physicochemical variation, residue mobility, and thermodynamic stability) indicates that this missense variant is not expected to disrupt DNAH9 protein function with a negative predictive value of 80%. In summary, the available evidence is currently insufficient to determine the role of this variant in disease. Therefore, it has been classified as a Variant of Uncertain Significance.

Blueprint Genetics
Classification: Uncertain significance. Last evaluated: 2023-01-30. Review status: criteria provided, single submitter. Criteria: ACMG Guidelines, 2015. Collection method: clinical testing. Allele origin: germline.